The following is an entry in ClinVar:

ClinVar aggregate classification (germline): Pathogenic (1 of 4 stars; one submission).

Submission:

CeGaT Center for Human Genetics Tuebingen
Classification: Pathogenic. Last evaluated: 2023-01-01. Review status: criteria provided, single submitter. Criteria: CeGaT Center For Human Genetics Tuebingen Variant Classification Criteria Version 2. Collection method: clinical testing. Allele origin: germline. Affected: yes. Observed: 1 variant allele.
Comment: GRIN2B: PVS1, PS2, PM2

NM_000834.5(GRIN2B):c.2010delinsAA (p.Phe671fs)

Gene: GRIN2B (glutamate ionotropic receptor NMDA type subunit 2B; minus strand). Cytogenetic location: 12p13.1.
Variant type: Indel.
Coding change: c.2010delinsAA on transcript NM_000834.5 (MANE Select); coding-DNA position 2010, G replaced by AA.
Protein change: p.Phe671fs; shifts the reading frame from phenylalanine 671.
Molecular consequence: frameshift variant.
Genome position (GRCh38, 1-based): chr12:13,608,603, C replaced by TT on the plus strand (G replaced by AA on the coding strand, the reverse complement: GRIN2B is on the minus strand). VCF-style: chr12-13608603-C-TT. GRCh37 (hg19) VCF-style: chr12-13761537-C-TT.
Other names: c.2010delinsAA, p.Phe671fs (NM_001413992.1); short protein forms F671fs.
Identifiers: ClinVar variation 2498546 (VCV002498546.28), dbSNP rs2497582872, ClinGen allele CA2580085167.